The following is an entry in ClinVar:

NM_014314.4(RIGI):c.1405G>T (p.Asp469Tyr)

Gene: RIGI (RNA sensor RIG-I; minus strand). Cytogenetic location: 9p21.1.
Variant type: single nucleotide variant.
Coding change: c.1405G>T on transcript NM_014314.4 (MANE Select); coding-DNA position 1405, G replaced by T.
Protein change: p.Asp469Tyr; replaces aspartic acid 469 with tyrosine.
Molecular consequence: missense variant.
Genome position (GRCh38, 1-based): chr9:32,485,250, C>A on the plus strand (G>T on the coding strand, the complement: RIGI is on the minus strand). VCF-style: chr9-32485250-C-A. GRCh37 (hg19) VCF-style: chr9-32485248-C-A.
Other names: c.1405G>T (NM_014314.3); c.1399G>T, p.Asp467Tyr (NM_001385907.1); c.1405G>T, p.Asp469Tyr (NM_001385909.1); c.964G>T, p.Asp322Tyr (NM_001385910.1); c.796G>T, p.Asp266Tyr (NM_001385912.1); c.1390G>T, p.Asp464Tyr (NM_001385913.1); c.961G>T, p.Asp321Tyr (NM_001385914.1); short protein forms D321Y, D464Y, D467Y, D266Y, D322Y, D469Y.
Identifiers: ClinVar variation 1955822 (VCV001955822.6), dbSNP rs368484093, ClinGen allele CA373154845.

ClinVar aggregate classification (germline): Uncertain significance. Review status: criteria provided, multiple submitters, no conflicts (2 of 4 stars). 2 submissions from 2 submitters: Uncertain significance (2). Last evaluated 2025-10-07.

Conditions:
Inborn genetic diseases. Identifiers: MedGen C0950123, MeSH D030342.

gnomAD v4.1: 3 of 1,603,160 alleles (0.00019%); highest among the groups gnomAD compares: Admixed American, 0.0051%; no homozygotes.

Submissions (2):

Ambry Genetics
Classification: Uncertain significance for Inborn genetic diseases. Last evaluated: 2025-10-07. Review status: criteria provided, single submitter. Criteria: Ambry Variant Classification Scheme 2023. Collection method: clinical testing. Allele origin: germline.

Labcorp Genetics (formerly Invitae), Labcorp
Classification: Uncertain significance. Last evaluated: 2022-09-27. Review status: criteria provided, single submitter. Criteria: Invitae Variant Classification Sherloc (09022015). Collection method: clinical testing. Allele origin: germline.
Comment: This variant is present in population databases (no rsID available, gnomAD 0.006%). This sequence change replaces aspartic acid, which is acidic and polar, with tyrosine, which is neutral and polar, at codon 469 of the DDX58 protein (p.Asp469Tyr). This variant has not been reported in the literature in individuals affected with DDX58-related conditions. Advanced modeling of protein sequence and biophysical properties (such as structural, functional, and spatial information, amino acid conservation, physicochemical variation, residue mobility, and thermodynamic stability) has been performed at Invitae for this missense variant, however the output from this modeling did not meet the statistical confidence thresholds required to predict the impact of this variant on DDX58 protein function. In summary, the available evidence is currently insufficient to determine the role of this variant in disease. Therefore, it has been classified as a Variant of Uncertain Significance.